The following is an entry in ClinVar:

NM_002834.5(PTPN11):c.218C>T (p.Thr73Ile)

Gene: PTPN11 (protein tyrosine phosphatase non-receptor type 11; plus strand). Cytogenetic location: 12q24.13.
Variant type: single nucleotide variant.
Coding change: c.218C>T on transcript NM_002834.5 (MANE Select); coding-DNA position 218, C replaced by T.
Protein change: p.Thr73Ile; replaces threonine 73 with isoleucine.
Molecular consequence: missense variant.
Genome position (GRCh38, 1-based): chr12:112,450,398, C>T. VCF-style: chr12-112450398-C-T. GRCh37 (hg19) VCF-style: chr12-112888202-C-T.
Other names: p.T73I:ACT>ATT; c.218C>T, p.Thr73Ile (NM_001330437.2, NM_080601.3); c.215C>T, p.Thr72Ile (NM_001374625.1); short protein forms T73I, T72I.
Identifiers: ClinVar variation 13334 (VCV000013334.85), dbSNP rs121918462, ClinGen allele CA256752.
Genomic context (GRCh38, chr12:112,450,398, plus strand): 5'-ACATCAAGATTCAGAACACTGGTGATTACTATGACCTGTATGGAGGGGAGAAATTTGCCA[C>T]TTTGGCTGAGTTGGTCCAGTATTACATGGAACATCACGGGCAATTAAAAGAGAAGAATGG-3'
Protein context (NP_002825.3, residues 63-83): YDLYGGEKFA[Thr73Ile]LAELVQYYME

ClinVar aggregate classification (germline): Pathogenic. Review status: criteria provided, multiple submitters, no conflicts (2 of 4 stars). 29 submissions from 25 submitters: Pathogenic (23). 6 of the submissions do not count toward it. Last evaluated 2026-01-19.
ClinVar aggregate classification (oncogenicity): Uncertain significance (1 of 4 stars; one submission).

Conditions:
PTPN11-related disorder. Also called: PTPN11-Related Disorders.
Noonan syndrome and Noonan-related syndrome. Identifiers: Orphanet 98733, MedGen C5681679, MONDO:0020297.
Cardiovascular phenotype. Identifiers: MedGen CN230736.
Metachondromatosis (METCDS). Identifiers: Orphanet 2499, MedGen C0410530, MONDO:0007979, OMIM 156250.
Juvenile myelomonocytic leukemia (JMML). Also called: LEUKEMIA, JUVENILE MYELOMONOCYTIC, SOMATIC. Identifiers: Orphanet 86834, MedGen C0349639, MONDO:0011908, OMIM 607785, HP:0012209.
Noonan syndrome 1 (NS1). Also called: TURNER PHENOTYPE WITH NORMAL KARYOTYPE; FEMALE PSEUDO-TURNER SYNDROME; PTPN11-Related Noonan Syndrome. Identifiers: Orphanet 648, MedGen C4551602, MONDO:0008104, OMIM 163950. Disease mechanism: gain of function.
LEOPARD syndrome 1 (LPRD1). Also called: PTPN11-Related LEOPARD Syndrome; LENTIGINOSIS, CARDIOMYOPATHIC; MULTIPLE LENTIGINES SYNDROME. Identifiers: Orphanet 500, MedGen C4551484, MONDO:0100082, OMIM 151100.
RASopathy. Also called: rasopathies; Noonan spectrum disorder. Identifiers: Orphanet 536391, MedGen C5555857, MONDO:0021060.
Noonan syndrome (NS). Also called: Noonan's syndrome. Identifiers: Orphanet 648, MedGen C0028326, MeSH D009634, MONDO:0018997. Disease mechanism: gain of function.
Intellectual disability. Also called: intellectual disabilities; Intellectual developmental disorder; Intellectual functioning disability. Identifiers: MedGen C3714756, MeSH D008607, MONDO:0001071, HP:0001249.
Vascular disorder. Identifiers: MedGen C0042373, MONDO:0005385.
Acute myeloid leukemia (AML). Also called: Leukemia, acute myelogenous, somatic; Leukemia, acute myeloid, somatic; Acute myeloid leukemia, adult; AML adult; Acute non-lymphocytic leukemia; Acute granulocytic leukemia. Identifiers: Orphanet 519, MedGen C0023467, MeSH D015470, MONDO:0018874, OMIM 601626, HP:0004808. Disease mechanism: Constitutively activated FLT3.

Submissions 1 to 8 of 30:

Center for Virology of Infectious and Tropical Diseases (CVMIT), Mohammed V Military Teaching Hospital
Classification: Uncertain significance for Acute myeloid leukemia. Last evaluated: 2026-10-26. Review status: criteria provided, single submitter. Criteria: ClinGen/CGC/VICC Guidelines for Oncogenicity, 2022. Collection method: research. Allele origin: somatic. Affected: yes. Observed: 1 variant allele.
Comment: PTPN11 p.Thr73Ile. Oncogenicity classified with the ClinGen/CGC/VICC SOP (Horak et al. 2022, PMID:35101336). Criteria applied: OM1: T73 lies in the N-SH2 domain at the autoinhibitory N-SH2/PTP interface, where gain-of-function PTPN11 variants cluster (PMID:12717436, PMID:16358218); concordant in silico predictions (CADD 28, AlphaMissense likely pathogenic 0.9997, SIFT deleterious) (OP1); absent from gnomAD v4 (OP4). Total 4 points (Uncertain significance). ClinVar at analysis (release 2022-07-09, used by Ion Reporter): Variation ID 13334, Conflicting interpretations of pathogenicity. Current record: ClinVar VCV000013334.82 (consulted 2026-10-29): germline classification Pathogenic.

Labcorp Genetics (formerly Invitae), Labcorp
Classification: Pathogenic for RASopathy. Last evaluated: 2026-01-19. Review status: criteria provided, single submitter. Criteria: Invitae Variant Classification Sherloc (09022015). Collection method: clinical testing. Allele origin: germline.
Comment: This sequence change replaces threonine, which is neutral and polar, with isoleucine, which is neutral and non-polar, at codon 73 of the PTPN11 protein (p.Thr73Ile). This variant is not present in population databases (gnomAD no frequency). This missense change has been observed in individual(s) with Noonan syndrome, Noonan-syndrome associated myeloproliferative disorder (PMID: 11992261, 14644997, 15240615, 15928039, 17020470, 17339163, 20383758, 23446178, 23832011). In at least one individual the variant was observed to be de novo. ClinVar contains an entry for this variant (Variation ID: 13334). Invitae Evidence Modeling incorporating data from in vitro experimental studies (internal data) indicates that this missense variant is expected to disrupt PTPN11 function with a positive predictive value of 95%. Experimental studies have shown that this missense change affects PTPN11 function (PMID: 15987685, 24718990). For these reasons, this variant has been classified as Pathogenic.

CeGaT Center for Human Genetics Tuebingen
Classification: Pathogenic. Last evaluated: 2025-12-01. Review status: criteria provided, single submitter. Criteria: CeGaT Center For Human Genetics Tuebingen Variant Classification Criteria Version 2. Collection method: clinical testing. Allele origin: germline. Affected: yes. Observed: 3 variant alleles.
Comment: PTPN11: PS4, PM1, PM2, PS2:Moderate, PS3:Moderate, PP2, PP3

Centre of Medical Genetics, University Hospital Muenster
Classification: Pathogenic. Last evaluated: 2025-10-07. Review status: criteria provided, single submitter. Criteria: ACMG Guidelines, 2015. Collection method: clinical testing. Allele origin: de novo. Affected: yes. Observed: 1 variant allele, 1 heterozygote.
Comment: ACMG categories: PS2,PS3_sup,PS4,PM1,PM2_sup,PP2,PP3

Variantyx, Inc.
Classification: Pathogenic for Noonan syndrome 1. Last evaluated: 2025-06-17. Review status: criteria provided, single submitter. Criteria: Variantyx Assertion Criteria 2022. Collection method: clinical testing. Allele origin: germline. Inheritance: Autosomal dominant inheritance. Affected: yes.
Comment: This is a nonsynonymous variant in the PTPN11 gene (OMIM: 176876). Pathogenic variants in this gene have been associated with autosomal dominant Noonan syndrome 1. This variant likely occurred de novo in individuals reported in the published literature; however, the possibility of parental germline mosaicism cannot be excluded (PMID: 20383758) (PS2). This variant has been reported in many unrelated affected individuals (PMID: 16358218, 17339163, 32164556) (PS4_Very_Strong). Functional studies have shown that this variant alters PTPN11 protein function (PMID: 24718990) (PS3) and multiple computational algorithms predict a deleterious effect for this variant (REVEL score: 0.954) (PP3). It lies within a known hotspot for pathogenic variants or a well-established critical functional domain of the PTPN11 protein (PMID: 29493581) (PM1) andit is absent from control populations (PM2). Based on the current evidence, this variant is classified as pathogenic for autosomal dominant Noonan syndrome 1.

Revvity Omics, Revvity
Classification: Pathogenic. Last evaluated: 2024-11-04. Review status: criteria provided, single submitter. Criteria: ACMG Guidelines, 2015. Collection method: clinical testing. Allele origin: germline.

GeneDx
Classification: Pathogenic. Last evaluated: 2024-02-20. Review status: criteria provided, single submitter. Criteria: GeneDx Variant Classification Process June 2021. Collection method: clinical testing. Allele origin: germline. Affected: yes.
Comment: Published functional studies demonstrate the variant results in increased activity compared to wild type (PMID: 15987685); Missense variants in this gene are often considered pathogenic (HGMD); In silico analysis supports that this missense variant has a deleterious effect on protein structure/function; Not observed at significant frequency in large population cohorts (gnomAD); This variant is associated with the following publications: (PMID: 35050212, 34850017, 32164556, 23832011, 23446178, 24803665, 24718990, 26286251, 15928039, 20383758, 30355600, 28106910, 26918529, 30050098, 30378271, 29907801, 31219622, 31560489, 32144894, 32901917, 28191889, 35792504, 34974531, 11992261, 9491886, 29493581, 16053901, 15987685)

Institute of Medical Genetics and Genomics, Sir Ganga Ram Hospital
Classification: Pathogenic for Noonan syndrome 1. Last evaluated: 2023-10-27. Review status: criteria provided, single submitter. Criteria: ACMG Guidelines, 2015. Collection method: clinical testing. Allele origin: unknown. Inheritance: Autosomal dominant inheritance. Affected: yes. Observed: 1 heterozygote.
Comment: This nucleotide change is absent in gnomAD database [PM2]. Insilico prediction [REVEL=0.95] predicts deleterious nature of this variant [PP3: Strong]. A clinvar entry for this variant is available. This variant is submitted to clinvar database [Variation ID: 13334] with “conflicting interpretation of pathogenicity, ”Pathogenic (14); Uncertain Significance (1)” interpretation by multiple submitter [PP5]. Based on the clinical correlation and available evidence, this variant is classified as "Pathogenic".